The following is an entry in ClinVar:

NM_020433.5(JPH2):c.1838A>G (p.Glu613Gly)

Gene: JPH2 (junctophilin 2; minus strand). Cytogenetic location: 20q13.12.
Variant type: single nucleotide variant.
Coding change: c.1838A>G on transcript NM_020433.5 (MANE Select); coding-DNA position 1838, A replaced by G.
Protein change: p.Glu613Gly; replaces glutamic acid 613 with glycine.
Molecular consequence: missense variant.
Genome position (GRCh38, 1-based): chr20:44,115,837, T>C on the plus strand (A>G on the coding strand, the complement: JPH2 is on the minus strand). VCF-style: chr20-44115837-T-C. GRCh37 (hg19) VCF-style: chr20-42744477-T-C.
Other names: short protein forms E613G.
Identifiers: ClinVar variation 852340 (VCV000852340.10), dbSNP rs753914193, ClinGen allele CA9868591.

ClinVar aggregate classification (germline): Uncertain significance. Review status: criteria provided, multiple submitters, no conflicts (2 of 4 stars). 2 submissions from 2 submitters: Uncertain significance (2). Last evaluated 2024-03-04.

Conditions:
Cardiovascular phenotype. Identifiers: MedGen CN230736.
Hypertrophic cardiomyopathy. Also called: HYPERTROPHIC MYOCARDIOPATHY. Identifiers: Orphanet 217569, MedGen C0007194, MeSH D002312, MONDO:0005045, HP:0001639.

Allele frequency attached by ClinVar (database versions not stated): gnomAD exomes 0.00001; ExAC 0.00003.

Submissions (2):

Ambry Genetics
Classification: Uncertain significance for Cardiovascular phenotype. Last evaluated: 2024-03-04. Review status: criteria provided, single submitter. Criteria: Ambry Variant Classification Scheme 2023. Collection method: clinical testing. Allele origin: germline.

Labcorp Genetics (formerly Invitae), Labcorp
Classification: Uncertain significance for Hypertrophic cardiomyopathy. Last evaluated: 2019-01-05. Review status: criteria provided, single submitter. Criteria: Invitae Variant Classification Sherloc (09022015). Collection method: clinical testing. Allele origin: germline.
Comment: This variant has not been reported in the literature in individuals with JPH2-related conditions. This variant is present in population databases (rs753914193, ExAC 0.04%). This sequence change replaces glutamic acid with glycine at codon 613 of the JPH2 protein (p.Glu613Gly). The glutamic acid residue is weakly conserved and there is a moderate physicochemical difference between glutamic acid and glycine. Algorithms developed to predict the effect of missense changes on protein structure and function (SIFT, PolyPhen-2, Align-GVGD) all suggest that this variant is likely to be tolerated, but these predictions have not been confirmed by published functional studies and their clinical significance is uncertain. In summary, the available evidence is currently insufficient to determine the role of this variant in disease. Therefore, it has been classified as a Variant of Uncertain Significance.